The following is an entry in ClinVar:

ClinVar aggregate classification (germline): Benign. Review status: criteria provided, multiple submitters, no conflicts (2 of 4 stars). 3 submissions from 3 submitters: Benign (3). Last evaluated 2021-06-09.

Conditions:
Amelogenesis imperfecta (AI). Also called: Congenital enamel hypoplasia. Identifiers: Orphanet 88661, MedGen C0002452, MONDO:0019507, HP:0000705.

Allele frequency attached by ClinVar (database versions not stated): ESP Exome Variant Server 0.04022; TOPMed 0.04142; 1000 Genomes Project 0.04253; 1000 Genomes Project 30x 0.04513.

Submissions (3):

GeneDx
Classification: Benign. Last evaluated: 2021-06-09. Review status: criteria provided, single submitter. Criteria: GeneDx Variant Classification Process June 2021. Collection method: clinical testing. Allele origin: germline. Affected: yes.

Illumina Laboratory Services, Illumina
Classification: Benign for Amelogenesis imperfecta. Last evaluated: 2018-01-13. Review status: criteria provided, single submitter. Criteria: ICSL Variant Classification Criteria 13 December 2019. Collection method: clinical testing. Allele origin: germline.
Comment: This variant was observed in the ICSL laboratory as part of a predisposition screen in an ostensibly healthy population. It had not been previously curated by ICSL or reported in the Human Gene Mutation Database (HGMD: prior to June 1st, 2018), and was therefore a candidate for classification through an automated scoring system. Utilizing variant allele frequency, disease prevalence and penetrance estimates, and inheritance mode, an automated score was calculated to assess if this variant is too frequent to cause the disease. Based on the score and internal cut-off values, a variant classified as benign is not then subjected to further curation. The score for this variant resulted in a classification of benign for this disease.

Breakthrough Genomics
Classification: Benign. Review status: criteria provided, single submitter. Criteria: ACMG Guidelines, 2015. Collection method: not provided. Allele origin: germline. Inheritance: Autosomal recessive inheritance. Affected: yes.

NM_031889.3(ENAM):c.2241C>T (p.Tyr747=)

Gene: ENAM (enamelin; plus strand). Cytogenetic location: 4q13.3.
Variant type: single nucleotide variant.
Coding change: c.2241C>T on transcript NM_031889.3 (MANE Select); coding-DNA position 2241, C replaced by T.
Protein change: p.Tyr747=; no amino-acid change (tyrosine 747 retained).
Molecular consequence: synonymous variant.
Genome position (GRCh38, 1-based): chr4:70,643,667, C>T. VCF-style: chr4-70643667-C-T. GRCh37 (hg19) VCF-style: chr4-71509384-C-T.
Other names: c.1587C>T, p.Tyr529= (NM_001368133.1).
Identifiers: ClinVar variation 349502 (VCV000349502.8), dbSNP rs36064169, ClinGen allele CA2952247.